The following is an entry in ClinVar:

NM_001110556.2(FLNA):c.3246G>A (p.Ala1082=)

Gene: FLNA (filamin A; minus strand). Cytogenetic location: Xq28.
Variant type: single nucleotide variant.
Coding change: c.3246G>A on transcript NM_001110556.2 (MANE Select); coding-DNA position 3246, G replaced by A.
Protein change: p.Ala1082=; no amino-acid change (alanine 1082 retained).
Molecular consequence: synonymous variant.
Genome position (GRCh38, 1-based): chrX:154,360,549, C>T on the plus strand (G>A on the coding strand, the complement: FLNA is on the minus strand). VCF-style: chrX-154360549-C-T. GRCh37 (hg19) VCF-style: chrX-153588917-C-T.
Other names: p.Ala1082=; c.3246G>A (NM_001110556.1); c.3246G>A, p.Ala1082= (NM_001456.4).
Identifiers: ClinVar variation 389814 (VCV000389814.18), dbSNP rs373036085, ClinGen allele CA10560740.

ClinVar aggregate classification (germline): Likely benign. Review status: criteria provided, multiple submitters, no conflicts (2 of 4 stars). 6 submissions from 6 submitters: Likely benign (5). 1 of the submissions does not count toward it. Last evaluated 2026-01-09.

Conditions:
FLNA-related disorder.
Heterotopia, periventricular, X-linked dominant (PVNH1). Also called: PERIVENTRICULAR NODULAR HETEROTOPIA 4; HETEROTOPIA, PERIVENTRICULAR, 1; PERIVENTRICULAR NODULAR HETEROTOPIA 1; X-linked periventricular heterotopia. Identifiers: Orphanet 2149, Orphanet 82004, MedGen C1848213, MONDO:0010233, OMIM 300049.
Frontometaphyseal dysplasia (FMD1). Identifiers: Orphanet 1826, MedGen C0265293, MONDO:0015942.
Oto-palato-digital syndrome, type II (OPD2). Also called: Otopalatodigital Syndrome, Type II; Otopalatodigital Syndrome Type 2 (FLNA-OPD2); OPD II SYNDROME; FACIOPALATOOSSEOUS SYNDROME. Identifiers: Orphanet 669, Orphanet 90652, MedGen C1844696, MONDO:0010571, OMIM 304120.
Melnick-Needles syndrome (MNS). Also called: Melnick-Needles Syndrome (FLNA-MNS); MELNICK-NEEDLES OSTEODYSPLASTY; OSTEODYSPLASTY OF MELNICK AND NEEDLES. Identifiers: Orphanet 2484, MedGen C0025237, MONDO:0010650, OMIM 309350.
Familial thoracic aortic aneurysm and aortic dissection (TAAD). Also called: Thoracic aortic aneurysms and dissections. Identifiers: Orphanet 91387, MedGen C4707243, MONDO:0019625.

Allele frequency attached by ClinVar (database versions not stated): gnomAD exomes 0.00001 and 0.00003; TOPMed 0.00002; ExAC 0.00003; gnomAD 0.00003; ESP Exome Variant Server 0.00010.
gnomAD v4.1: 33 of 1,208,168 alleles (0.0027%); highest among the groups gnomAD compares: African/African-American, 0.014%; no homozygotes.

Submissions (6):

Labcorp Genetics (formerly Invitae), Labcorp
Classification: Likely benign for Oto-palato-digital syndrome, type II; Heterotopia, periventricular, X-linked dominant; Frontometaphyseal dysplasia; Melnick-Needles syndrome. Last evaluated: 2026-01-09. Review status: criteria provided, single submitter. Criteria: Invitae Variant Classification Sherloc (09022015). Collection method: clinical testing. Allele origin: germline.

Mayo Clinic Laboratories, Mayo Clinic
Classification: Likely benign. Last evaluated: 2025-05-08. Review status: criteria provided, single submitter. Criteria: ACMG Guidelines, 2015. Collection method: clinical testing. Allele origin: germline. Observed: 2 variant alleles.
Comment: BP4, BP7

Blueprint Genetics
Classification: Likely benign. Last evaluated: 2024-07-03. Review status: criteria provided, single submitter. Criteria: ACMG Guidelines, 2015. Collection method: clinical testing. Allele origin: germline.

GeneDx
Classification: Likely benign. Last evaluated: 2020-09-09. Review status: criteria provided, single submitter. Criteria: GeneDx Variant Classification Process June 2021. Collection method: clinical testing. Allele origin: germline. Affected: yes.

Ambry Genetics
Classification: Likely benign for Familial thoracic aortic aneurysm and aortic dissection. Last evaluated: 2019-10-20. Review status: criteria provided, single submitter. Criteria: Ambry Variant Classification Scheme 2023. Collection method: clinical testing. Allele origin: germline.

PreventionGenetics, part of Exact Sciences
Classification: Likely benign for FLNA-related condition. Last evaluated: 2022-03-25. Review status: no assertion criteria provided. Collection method: clinical testing. Allele origin: germline. Not counted in ClinVar's aggregate classification.
Comment: This variant is classified as likely benign based on ACMG/AMP sequence variant interpretation guidelines (Richards et al. 2015 PMID: 25741868, with internal and published modifications).